The following is an entry in ClinVar:

NM_020975.6(RET):c.3140C>T (p.Pro1047Leu)

Gene: RET (ret proto-oncogene; plus strand). Cytogenetic location: 10q11.21.
Variant type: single nucleotide variant.
Coding change: c.3140C>T on transcript NM_020975.6 (MANE Select); coding-DNA position 3140, C replaced by T.
Protein change: p.Pro1047Leu; replaces proline 1047 with leucine.
Molecular consequence: missense variant.
Genome position (GRCh38, 1-based): chr10:43,126,675, C>T. VCF-style: chr10-43126675-C-T. GRCh37 (hg19) VCF-style: chr10-43622123-C-T.
Other names: c.3140C>T, p.Pro1047Leu (NM_000323.2, NM_001406743.1, NM_001406744.1 and 2 more transcripts); c.2378C>T, p.Pro793Leu (NM_001355216.2); c.3011C>T, p.Pro1004Leu (NM_001406761.1, NM_001406762.1, NM_001406764.1); c.3005C>T, p.Pro1002Leu (NM_001406763.1, NM_001406765.1); c.2852C>T, p.Pro951Leu (NM_001406766.1, NM_001406767.1, NM_001406770.1); c.2876C>T, p.Pro959Leu (NM_001406768.1); c.2744C>T, p.Pro915Leu (NM_001406769.1, NM_001406772.1); c.2702C>T, p.Pro901Leu (NM_001406771.1, NM_001406773.1); and 10 more; short protein forms P1047L, P793L, P1004L, P564L, P612L, P872L, P705L, P748L.
Identifiers: ClinVar variation 946452 (VCV000946452.16), dbSNP rs1305293392, ClinGen allele CA376558477.

ClinVar aggregate classification (germline): Uncertain significance. Review status: criteria provided, multiple submitters, no conflicts (2 of 4 stars). 4 submissions from 4 submitters: Uncertain significance (4). Last evaluated 2025-06-14.

Conditions:
Multiple endocrine neoplasia, type 2 (MEN2). Identifiers: Orphanet 653, MedGen C4048306, MONDO:0019003. Disease mechanism: gain of function.
Multiple endocrine neoplasia type 2B. Also called: Multiple endocrine neoplasia, type 3; MEN 2B; MULTIPLE ENDOCRINE NEOPLASIA, TYPE IIB; MUCOSAL NEUROMA SYNDROME; Multiple Endocrine Neoplasia Type 2B (MEN2B); MEN IIB. Identifiers: Orphanet 247709, Orphanet 653, MedGen C0025269, MeSH D018814, MONDO:0008082, OMIM 162300.
Hirschsprung disease, susceptibility to, 1 (HSCR1). Also called: RET-Related Hirschsprung Disease. Identifiers: Orphanet 388, MedGen C3888239, MONDO:0007723, OMIM 142623.
Pheochromocytoma. Also called: MAX-Related Hereditary Paraganglioma-Pheochromocytoma Syndrome. Identifiers: Orphanet 29072, MedGen C0031511, MONDO:0008233, OMIM 171300, HP:0002666.
Multiple endocrine neoplasia type 2A. Also called: MULTIPLE ENDOCRINE NEOPLASIA, TYPE IIA; PTC SYNDROME; SIPPLE SYNDROME; MEN 2A; MEN-2A syndrome; Pheochromocytoma and amyloid producing medullary thyroid carcinoma. Identifiers: Orphanet 247698, Orphanet 653, MedGen C0025268, MeSH D018813, MONDO:0008234, OMIM 171400.
Familial medullary thyroid carcinoma (MTC). Also called: Thyroid cancer, familial medullary; MTC, familial; Familial Medullary Thyroid Carcinoma (FMTC). Identifiers: Orphanet 653, Orphanet 99361, MedGen C1833921, MONDO:0007958, OMIM 155240.
Hereditary cancer-predisposing syndrome. Also called: Hereditary Cancer Syndrome; Hereditary neoplastic syndrome; Tumor predisposition; Neoplastic Syndromes, Hereditary. Identifiers: Orphanet 140162, MedGen C0027672, MeSH D009386, MONDO:0015356.

Allele frequency attached by ClinVar (database versions not stated): gnomAD 0.00001; TOPMed 0.00001.
gnomAD v4.1: 1 of 1,613,960 alleles (0.000062%); highest among the groups gnomAD compares: African/African-American, 0.0013%; no homozygotes.

Submissions (4):

Labcorp Genetics (formerly Invitae), Labcorp
Classification: Uncertain significance for Multiple endocrine neoplasia, type 2. Last evaluated: 2025-06-14. Review status: criteria provided, single submitter. Criteria: Invitae Variant Classification Sherloc (09022015). Collection method: clinical testing. Allele origin: germline.
Comment: This sequence change replaces proline, which is neutral and non-polar, with leucine, which is neutral and non-polar, at codon 1047 of the RET protein (p.Pro1047Leu). This variant is present in population databases (no rsID available, gnomAD 0.01%). This variant has not been reported in the literature in individuals affected with RET-related conditions. ClinVar contains an entry for this variant (Variation ID: 946452). An algorithm developed to predict the effect of missense changes on protein structure and function (PolyPhen-2) suggests that this variant is likely to be tolerated. In summary, the available evidence is currently insufficient to determine the role of this variant in disease. Therefore, it has been classified as a Variant of Uncertain Significance.

Ambry Genetics
Classification: Uncertain significance for Hereditary cancer-predisposing syndrome. Last evaluated: 2024-09-03. Review status: criteria provided, single submitter. Criteria: Ambry Variant Classification Scheme 2023. Collection method: clinical testing. Allele origin: germline.
Comment: The p.P1047L variant (also known as c.3140C>T), located in coding exon 19 of the RET gene, results from a C to T substitution at nucleotide position 3140. The proline at codon 1047 is replaced by leucine, an amino acid with similar properties. This amino acid position is highly conserved in available vertebrate species. In addition, the in silico prediction for this alteration is inconclusive. Since supporting evidence is limited at this time, the clinical significance of this alteration remains unclear.

Baylor Genetics
Classification: Uncertain significance for Hirschsprung disease, susceptibility to, 1. Last evaluated: 2024-03-11. Review status: criteria provided, single submitter. Criteria: ACMG Guidelines, 2015. Collection method: clinical testing. Allele origin: unknown.

Fulgent Genetics
Classification: Uncertain significance for Hirschsprung disease, susceptibility to, 1; Familial medullary thyroid carcinoma; Multiple endocrine neoplasia type 2B; Pheochromocytoma; Multiple endocrine neoplasia type 2A. Last evaluated: 2022-03-07. Review status: criteria provided, single submitter. Criteria: ACMG Guidelines, 2015. Collection method: clinical testing. Allele origin: unknown.